The following is an entry in ClinVar:

ClinVar aggregate classification (germline): Conflicting classifications of pathogenicity. Review status: criteria provided, conflicting classifications (1 of 4 stars). 3 submissions from 3 submitters: Uncertain significance (2); Benign (1). Last evaluated 2025-09-15.

Conditions:
Familial adenomatous polyposis 2. Also called: Adenomas, multiple colorectal; MYH-associated polyposis; COLORECTAL ADENOMATOUS POLYPOSIS, AUTOSOMAL RECESSIVE; ADENOMAS, MULTIPLE COLORECTAL, AUTOSOMAL RECESSIVE; FAP type 2; MUTYH Polyposis. Identifiers: Orphanet 220460, Orphanet 247798, MedGen C3272841, MONDO:0012041, OMIM 608456.
Hereditary cancer-predisposing syndrome. Also called: Tumor predisposition; Neoplastic Syndromes, Hereditary; Hereditary Cancer Syndrome; Hereditary neoplastic syndrome. Identifiers: Orphanet 140162, MedGen C0027672, MeSH D009386, MONDO:0015356.

Submissions (3):

Ambry Genetics
Classification: Benign for Hereditary cancer-predisposing syndrome. Last evaluated: 2025-09-15. Review status: criteria provided, single submitter. Criteria: Ambry Variant Classification Scheme 2023. Collection method: clinical testing. Allele origin: germline.

Women's Health and Genetics/Laboratory Corporation of America, LabCorp
Classification: Uncertain significance. Last evaluated: 2022-09-30. Review status: criteria provided, single submitter. Criteria: LabCorp Variant Classification Summary - May 2015. Collection method: clinical testing. Allele origin: germline.

Labcorp Genetics (formerly Invitae), Labcorp
Classification: Uncertain significance for Familial adenomatous polyposis 2. Last evaluated: 2022-08-09. Review status: criteria provided, single submitter. Criteria: Invitae Variant Classification Sherloc (09022015). Collection method: clinical testing. Allele origin: germline.
Comment: This variant has not been reported in the literature in individuals affected with MUTYH-related conditions. In summary, the available evidence is currently insufficient to determine the role of this variant in disease. Therefore, it has been classified as a Variant of Uncertain Significance. Algorithms developed to predict the effect of missense changes on protein structure and function (SIFT, PolyPhen-2, Align-GVGD) all suggest that this variant is likely to be tolerated. ClinVar contains an entry for this variant (Variation ID: 1384865). This variant is not present in population databases (gnomAD no frequency). This sequence change replaces glutamic acid, which is acidic and polar, with lysine, which is basic and polar, at codon 196 of the MUTYH protein (p.Glu196Lys).

NM_001048174.2(MUTYH):c.502G>A (p.Glu168Lys)

Gene: MUTYH (mutY DNA glycosylase; minus strand). Cytogenetic location: 1p34.1.
Variant type: single nucleotide variant.
Coding change: c.502G>A on transcript NM_001048174.2 (MANE Select); coding-DNA position 502, G replaced by A.
Protein change: p.Glu168Lys; replaces glutamic acid 168 with lysine.
Molecular consequence: missense variant. On other transcripts: non-coding transcript variant (2).
Genome position (GRCh38, 1-based): chr1:45,332,678, C>T on the plus strand (G>A on the coding strand, the complement: MUTYH is on the minus strand). VCF-style: chr1-45332678-C-T. GRCh37 (hg19) VCF-style: chr1-45798350-C-T.
Other names: c.502G>A, p.Glu168Lys (NM_001048171.2, NM_001048173.2, NM_001293195.2); c.505G>A, p.Glu169Lys (NM_001048172.2); c.586G>A, p.Glu196Lys (NM_001128425.2); c.547G>A, p.Glu183Lys (NM_001293190.2); c.535G>A, p.Glu179Lys (NM_001293191.2); c.226G>A, p.Glu76Lys (NM_001293192.2, NM_001293196.2); c.157G>A, p.Glu53Lys (NM_001350650.2, NM_001350651.2); c.577G>A, p.Glu193Lys (NM_012222.3); short protein forms E169K, E183K, E179K, E193K, E168K, E196K, E53K, E76K.
Identifiers: ClinVar variation 1384865 (VCV001384865.11), dbSNP rs745921592, ClinGen allele CA340135451.